The following is an entry in ClinVar:

ClinVar aggregate classification (germline): Uncertain significance (1 of 4 stars; one submission).

gnomAD v4.1: 4 of 1,614,058 alleles (0.00025%); highest among the groups gnomAD compares: South Asian, 0.0022%; no homozygotes.

Submission:

Labcorp Genetics (formerly Invitae), Labcorp
Classification: Uncertain significance. Last evaluated: 2025-01-06. Review status: criteria provided, single submitter. Criteria: Invitae Variant Classification Sherloc (09022015). Collection method: clinical testing. Allele origin: germline.
Comment: This sequence change replaces methionine, which is neutral and non-polar, with valine, which is neutral and non-polar, at codon 689 of the TRAP1 protein (p.Met689Val). This variant is present in population databases (no rsID available, gnomAD 0.006%). This variant has not been reported in the literature in individuals affected with TRAP1-related conditions. Invitae Evidence Modeling of protein sequence and biophysical properties (such as structural, functional, and spatial information, amino acid conservation, physicochemical variation, residue mobility, and thermodynamic stability) indicates that this missense variant is not expected to disrupt TRAP1 protein function with a negative predictive value of 80%. In summary, the available evidence is currently insufficient to determine the role of this variant in disease. Therefore, it has been classified as a Variant of Uncertain Significance.

NM_016292.3(TRAP1):c.2065A>G (p.Met689Val)

Genes: DNASE1 (deoxyribonuclease 1; plus strand), TRAP1 (TNF receptor associated protein 1; minus strand). Cytogenetic location: 16p13.3.
Variant type: single nucleotide variant.
Coding change: c.2065A>G on transcript NM_016292.3 (MANE Select); coding-DNA position 2065, A replaced by G.
Protein change: p.Met689Val; replaces methionine 689 with valine.
Molecular consequence: missense variant. On other transcripts: intron variant (1).
Genome position (GRCh38, 1-based): chr16:3,658,179, T>C on the plus strand (A>G on the coding strand, the complement: TRAP1 is on the minus strand). VCF-style: chr16-3658179-T-C. GRCh37 (hg19) VCF-style: chr16-3708180-T-C.
Other names: c.1906A>G, p.Met636Val (NM_001272049.2); c.*21+312T>C (NM_001387140.1); short protein forms M689V, M636V.
Identifiers: ClinVar variation 3668326 (VCV003668326.2).
Genomic context (GRCh38, chr16:3,658,179, plus strand): 5'-CCCCTGGCTGTCAGTGTCGCTCCAGGGCCTTGACAAGCAGCTCATTCAAGCGGCCCACCA[T>C]GGCCCTAGGGTCGTCAACAAGTCCAGCAGCAATCATGGCGTTCTCGTATATCTGAAAGGC-3'
Protein context (NP_057376.2, residues 679-699): AAGLVDDPRA[Met689Val]VGRLNELLVK